The following is an entry in ClinVar:

NM_000069.3(CACNA1S):c.5292G>A (p.Glu1764=)

Gene: CACNA1S (calcium voltage-gated channel subunit alpha1 S; minus strand). Cytogenetic location: 1q32.1.
Variant type: single nucleotide variant.
Coding change: c.5292G>A on transcript NM_000069.3 (MANE Select); coding-DNA position 5292, G replaced by A.
Protein change: p.Glu1764=; no amino-acid change (glutamic acid 1764 retained).
Molecular consequence: synonymous variant.
Genome position (GRCh38, 1-based): chr1:201,040,309, C>T on the plus strand (G>A on the coding strand, the complement: CACNA1S is on the minus strand). VCF-style: chr1-201040309-C-T. GRCh37 (hg19) VCF-style: chr1-201009437-C-T.
Identifiers: ClinVar variation 2166633 (VCV002166633.6), dbSNP rs754386991, ClinGen allele CA083798.

ClinVar aggregate classification (germline): Likely benign. Review status: criteria provided, multiple submitters, no conflicts (2 of 4 stars). 3 submissions from 3 submitters: Likely benign (3). Last evaluated 2023-07-27.

Conditions:
Malignant hyperthermia, susceptibility to, 5 (MHS5). Also called: CACNA1S-Related Malignant Hyperthermia Susceptibility. Identifiers: Orphanet 423, MedGen C1866077, MONDO:0011163, OMIM 601887.
Hypokalemic periodic paralysis, type 1. Also called: HypoPP; Hypokalemic Periodic Paralysis Type 1 (AD). Identifiers: Orphanet 681, MedGen C3714580, MONDO:0042979, OMIM 170400.

Allele frequency attached by ClinVar (database versions not stated): ExAC 0.00001; gnomAD 0.00001; gnomAD exomes 0.00001; TOPMed 0.00001.
gnomAD v4.1: 9 of 1,613,668 alleles (0.00056%); highest among the groups gnomAD compares: East Asian, 0.02%; no homozygotes.

Submissions (3):

Labcorp Genetics (formerly Invitae), Labcorp
Classification: Likely benign for Hypokalemic periodic paralysis, type 1; Malignant hyperthermia, susceptibility to, 5. Last evaluated: 2023-07-27. Review status: criteria provided, single submitter. Criteria: Invitae Variant Classification Sherloc (09022015). Collection method: clinical testing. Allele origin: germline.

All of Us Research Program, National Institutes of Health
Classification: Likely benign for Malignant hyperthermia, susceptibility to, 5. Last evaluated: 2023-04-27. Review status: criteria provided, single submitter. Criteria: ACMG Guidelines, 2015. Collection method: clinical testing. Allele origin: germline. Inheritance: Autosomal dominant inheritance. Observed: 2 variant alleles, 2 heterozygotes.
Comment: This study involves interpretation of variants in research participants for the purpose of population health screening. Participant phenotype was not available at the time of variant classification. Additional details can be found in publication PMID: 35346344, PMCID: PMC8962531

Color Diagnostics, LLC DBA Color Health
Classification: Likely benign for Malignant hyperthermia, susceptibility to, 5. Last evaluated: 2023-03-15. Review status: criteria provided, single submitter. Criteria: ACMG Guidelines, 2015. Collection method: clinical testing. Allele origin: germline.